The following is an entry in ClinVar:

NM_000047.3(ARSL):c.430G>A (p.Gly144Arg)

Gene: ARSL (arylsulfatase L; minus strand). Cytogenetic location: Xp22.33.
Variant type: single nucleotide variant.
Coding change: c.430G>A on transcript NM_000047.3 (MANE Select); coding-DNA position 430, G replaced by A.
Protein change: p.Gly144Arg; replaces glycine 144 with arginine.
Molecular consequence: missense variant.
Genome position (GRCh38, 1-based): chrX:2,953,143, C>T on the plus strand (G>A on the coding strand, the complement: ARSL is on the minus strand). VCF-style: chrX-2953143-C-T. GRCh37 (hg19) VCF-style: chrX-2871184-C-T.
Other names: c.505G>A, p.Gly169Arg (NM_001282628.2, NM_001369080.1); c.268G>A, p.Gly90Arg (NM_001282631.2); c.457G>A, p.Gly153Arg (NM_001369079.1); short protein forms G144R, G153R, G169R, G90R.
Identifiers: ClinVar variation 1805736 (VCV001805736.1), dbSNP rs2518369116, ClinGen allele CA412267415.
Genomic context (GRCh38, chrX:2,953,143, plus strand): 5'-TAGCTGAATGTCCCTTCCATATAAAAGTCATGTGCTTACCACTTTTAAAAACGTACATAC[C>T]AATGAGTCCAGTGGCATAGCCTTTCTCTTTCAGTATTTTTGCAAAAGTTGTCTCATTTGT-3'
Protein context (NP_000038.2, residues 134-154): KEKGYATGLI[Gly144Arg]KWHLGLNCES

ClinVar aggregate classification (germline): Likely pathogenic (1 of 4 stars; one submission).

Conditions:
X-linked chondrodysplasia punctata 1 (CDPX1). Also called: CHONDRODYSPLASIA PUNCTATA, BRACHYTELEPHALANGIC; Chondrodysplasia punctata, X-linked recessive. Identifiers: Orphanet 79345, MedGen C3669395, MONDO:0010555, OMIM 302950.

Submission:

Victorian Clinical Genetics Services, Murdoch Childrens Research Institute
Classification: Likely pathogenic for X-linked chondrodysplasia punctata 1. Last evaluated: 2020-06-11. Review status: criteria provided, single submitter. Criteria: ACMG Guidelines, 2015. Collection method: clinical testing. Allele origin: germline. Inheritance: X-linked recessive inheritance.
Comment: Based on the classification scheme VCGS_Germline_v1.1.1, this variant is classified as Likely pathogenic. Following criteria are met: 0102 - Loss-of-function is a known mechanism of disease for this gene. (N) 0109 - This gene is known to be associated with X-linked recessive disease. (N) 0210 - Splice site variant (canonical or non-canonical) proven to affect splicing/expression of the transcript with a known effect on protein structure. Functional analysis showed retention of 21bp intronic sequence, predicted to result in p.(Ile143_Gly144insSerMetTyrValPheLysSer) (PMID: 23462608). (N) 0213 - In-frame insertion/deletion in a non-repetitive region that has high conservation. (P) 0253 - Variant is hemizygous. (N) 0301 - Variant is absent from gnomAD. (P) 0505 - Abnormal splicing is predicted by in silico tools and affected nucleotide is highly conserved. (P) 0600 - Variant is located in an annotated domain or motif (sulfatase domain; PDB). (N) 0705 - No comparable variants have previous evidence for pathogenicity. (N) 0803 - Low previous evidence of pathogenicity in unrelated individuals. (P) 1007 - No published functional evidence has been identified for the abnormal protein product. (N) 1101 - Very strong and specific phenotype match for chondrodysplasia punctata. (N) Legend: (P) - Pathogenic, (N) - Neutral, (B) - Benign

Literature cited by the submitters: PubMed 23462608.